The following is an entry in ClinVar:

NM_002292.4(LAMB2):c.4099C>T (p.Arg1367Trp)

Gene: LAMB2 (laminin subunit beta 2; minus strand). Cytogenetic location: 3p21.31.
Variant type: single nucleotide variant.
Coding change: c.4099C>T on transcript NM_002292.4 (MANE Select); coding-DNA position 4099, C replaced by T.
Protein change: p.Arg1367Trp; replaces arginine 1367 with tryptophan.
Molecular consequence: missense variant.
Genome position (GRCh38, 1-based): chr3:49,123,257, G>A on the plus strand (C>T on the coding strand, the complement: LAMB2 is on the minus strand). VCF-style: chr3-49123257-G-A. GRCh37 (hg19) VCF-style: chr3-49160690-G-A.
Other names: short protein forms R1367W.
Identifiers: ClinVar variation 1029435 (VCV001029435.2), dbSNP rs554614865, ClinGen allele CA2393873.
Genomic context (GRCh38, chr3:49,123,257, plus strand): 5'-GGTTGGCCATGTGTTTGCTGTTGAAGTCCTCCTTCTGAGCATCCATCAGTGCCTCTGTCC[G>A]ATGCCGAGCACTTGCCGAGTTGCTCACAGGGCTAGGTACTGCCAGGGCTGAGGTATTGGC-3'
Protein context (NP_002283.3, residues 1357-1377): PVSNSASARH[Arg1367Trp]TEALMDAQKE

ClinVar aggregate classification (germline): Conflicting classifications of pathogenicity. Review status: criteria provided, conflicting classifications (1 of 4 stars). 2 submissions from 2 submitters: Uncertain significance (1); Likely benign (1). Last evaluated 2023-11-16.

Conditions:
Inborn genetic diseases. Identifiers: MedGen C0950123, MeSH D030342.
LAMB2-related infantile-onset nephrotic syndrome. Also called: NEPHROTIC SYNDROME, TYPE 5, WITHOUT OCULAR ABNORMALITIES; NEPHROTIC SYNDROME, TYPE 5, WITH OCULAR ABNORMALITIES; Nephrotic Syndrome, type 5. Identifiers: Orphanet 306507, MedGen C3280113, MONDO:0013621, OMIM 614199.

Allele frequency attached by ClinVar (database versions not stated): TOPMed 0.00008; 1000 Genomes Project 0.00020; gnomAD exomes 0.00001 and 0.00003; ExAC 0.00004; gnomAD 0.00005; 1000 Genomes Project 30x 0.00031.
gnomAD v4.1: 21 of 1,614,084 alleles (0.0013%); highest among the groups gnomAD compares: African/African-American, 0.011%; no homozygotes.

Submissions (2):

Ambry Genetics
Classification: Likely benign for Inborn genetic diseases. Last evaluated: 2023-11-16. Review status: criteria provided, single submitter. Criteria: Ambry Variant Classification Scheme 2023. Collection method: clinical testing. Allele origin: germline.

Baylor Genetics
Classification: Uncertain significance for LAMB2-related infantile-onset nephrotic syndrome. Last evaluated: 2020-01-16. Review status: criteria provided, single submitter. Criteria: ACMG Guidelines, 2015. Collection method: clinical testing. Allele origin: unknown. Affected: yes.
Comment: This variant was determined to be of uncertain significance according to ACMG Guidelines, 2015 [PMID:25741868].